The following is an entry in ClinVar:

ClinVar aggregate classification (germline): Uncertain significance. Review status: criteria provided, multiple submitters, no conflicts (2 of 4 stars). 3 submissions from 3 submitters: Uncertain significance (3). Last evaluated 2024-06-27.

Conditions:
Familial thoracic aortic aneurysm and aortic dissection (TAAD). Also called: Thoracic aortic aneurysms and dissections. Identifiers: Orphanet 91387, MedGen C4707243, MONDO:0019625.

Allele frequency attached by ClinVar (database versions not stated): gnomAD exomes below 0.00001.
gnomAD v4.1: 2 of 1,614,054 alleles (0.00012%); highest among the groups gnomAD compares: Non-Finnish European, 0.00017%; no homozygotes.

Submissions (3):

GeneDx
Classification: Uncertain significance. Last evaluated: 2024-06-27. Review status: criteria provided, single submitter. Criteria: GeneDx Variant Classification Process June 2021. Collection method: clinical testing. Allele origin: germline. Affected: yes.
Comment: Has not been previously published as pathogenic or benign to our knowledge; Not observed at significant frequency in large population cohorts (gnomAD); In silico analysis indicates that this missense variant does not alter protein structure/function

Color Diagnostics, LLC DBA Color Health
Classification: Uncertain significance for Familial thoracic aortic aneurysm and aortic dissection. Last evaluated: 2024-03-06. Review status: criteria provided, single submitter. Criteria: ACMG Guidelines, 2015. Collection method: clinical testing. Allele origin: germline.
Comment: This missense variant replaces serine with asparagine at codon 648 of the MYH11 protein. Computational prediction tool indicates that this variant may have a neutral impact on protein structure and function. To our knowledge, functional studies have not been reported for this variant. This variant has not been reported in individuals affected with MYH11-related disorders in the literature. This variant has not been identified in the general population by the Genome Aggregation Database (gnomAD). The available evidence is insufficient to determine the role of this variant in disease conclusively. Therefore, this variant is classified as a Variant of Uncertain Significance.

All of Us Research Program, National Institutes of Health
Classification: Uncertain significance for Familial thoracic aortic aneurysm and aortic dissection. Last evaluated: 2024-03-05. Review status: criteria provided, single submitter. Criteria: ACMG Guidelines, 2015. Collection method: clinical testing. Allele origin: germline. Inheritance: Autosomal dominant inheritance. Observed: 3 variant alleles, 3 heterozygotes.
Comment: This missense variant replaces serine with asparagine at codon 648 of the MYH11 protein. Computational prediction suggests that this variant may not impact protein structure and function (internally defined REVEL score threshold <= 0.5, PMID: 27666373). Splice site prediction tools suggest that this variant may not impact RNA splicing. To our knowledge, functional studies have not been performed for this variant. This variant has not been reported in individuals affected with cardiovascular disorders in the literature. This variant has not been identified in the general population by the Genome Aggregation Database (gnomAD). The available evidence is insufficient to determine the role of this variant in disease conclusively. Therefore, this variant is classified as a Variant of Uncertain Significance.

This study involves interpretation of variants in research participants for the purpose of population health screening. Participant phenotype was not available at the time of variant classification. Additional details can be found in publication PMID: 35346344, PMCID: PMC8962531

NM_002474.3(MYH11):c.1922G>A (p.Ser641Asn)

Gene: MYH11 (myosin heavy chain 11; minus strand). Cytogenetic location: 16p13.11.
Variant type: single nucleotide variant.
Coding change: c.1922G>A on transcript NM_002474.3 (MANE Select); coding-DNA position 1922, G replaced by A.
Protein change: p.Ser641Asn; replaces serine 641 with asparagine.
Molecular consequence: missense variant.
Genome position (GRCh38, 1-based): chr16:15,750,274, C>T on the plus strand (G>A on the coding strand, the complement: MYH11 is on the minus strand). VCF-style: chr16-15750274-C-T. GRCh37 (hg19) VCF-style: chr16-15844131-C-T.
Other names: c.1943G>A, p.Ser648Asn (NM_001040113.2, NM_001040114.2); c.1922G>A, p.Ser641Asn (NM_022844.3); c.1922G>A (NM_002474.2); short protein forms S641N, S648N.
Identifiers: ClinVar variation 925720 (VCV000925720.8), dbSNP rs2041531591, ClinGen allele CA394869120.